The following is an entry in ClinVar:

ClinVar aggregate classification (germline): Uncertain significance (1 of 4 stars; one submission).

Conditions:
Familial intrahepatic cholestasis. Identifiers: Orphanet 284385, MedGen CN296401, MONDO:0017290.

Submission:

Genomenon, Inc
Classification: Uncertain significance for Familial intrahepatic cholestasis. Last evaluated: 2026-04-14. Review status: criteria provided, single submitter. Criteria: Genomenon Sequence Variant Interpretation Standards - Updated. Collection method: curation. Allele origin: germline. Affected: no.
Comment: ABCB11 p.Met174Ile (c.522G>A) is a missense variant that changes the amino acid at residue 174 from Methionine to Isoleucine. This variant has been reported in the published literature (PMID:37208429). It is absent or not present at a significant frequency in gnomAD. In silico models predict that this variant is not damaging. In conclusion, we classify ABCB11 p.Met174Ile (c.522G>A) as a variant of uncertain significance.

Literature cited by the submitters: PubMed 37208429.

NM_003742.4(ABCB11):c.522G>A (p.Met174Ile)

Gene: ABCB11 (ATP binding cassette subfamily B member 11; minus strand). Cytogenetic location: 2q31.1.
Variant type: single nucleotide variant.
Coding change: c.522G>A on transcript NM_003742.4 (MANE Select); coding-DNA position 522, G replaced by A.
Protein change: p.Met174Ile; replaces methionine 174 with isoleucine.
Molecular consequence: missense variant.
Genome position (GRCh38, 1-based): chr2:168,995,438, C>T on the plus strand (G>A on the coding strand, the complement: ABCB11 is on the minus strand). VCF-style: chr2-168995438-C-T. GRCh37 (hg19) VCF-style: chr2-169851948-C-T.
Other names: short protein forms M174I.
Identifiers: ClinVar variation 4846097 (VCV004846097.1).